The following is an entry in ClinVar:

NM_001270508.2(TNFAIP3):c.536C>T (p.Thr179Ile)

Genes: TNFAIP3 (TNF alpha induced protein 3; plus strand), LOC126859807 (MED14-independent group 3 enhancer GRCh37_chr6:138196296-138197495; plus strand). Cytogenetic location: 6q23.3.
Variant type: single nucleotide variant.
Coding change: c.536C>T on transcript NM_001270508.2 (MANE Select); coding-DNA position 536, C replaced by T.
Protein change: p.Thr179Ile; replaces threonine 179 with isoleucine.
Molecular consequence: missense variant.
Genome position (GRCh38, 1-based): chr6:137,875,737, C>T. VCF-style: chr6-137875737-C-T. GRCh37 (hg19) VCF-style: chr6-138196874-C-T.
Other names: c.536C>T, p.Thr179Ile (NM_001270507.2, NM_006290.4); short protein forms T179I.
Identifiers: ClinVar variation 4778755 (VCV004778755.1).
Genomic context (GRCh38, chr6:137,875,737, plus strand): 5'-GCTCCCCTTAGAACTGGAATGATGAATGGGACAATCTTATCAAAATGGCTTCCACAGACA[C>T]ACCCATGGCCCGAAGTGGACTTCAGTACAACTCACTGGAAGAAATACACATATTTGTCCT-3'
Protein context (NP_001257437.1, residues 169-189): DNLIKMASTD[Thr179Ile]PMARSGLQYN

ClinVar aggregate classification (germline): Uncertain significance (1 of 4 stars; one submission).

Submission:

Labcorp Genetics (formerly Invitae), Labcorp
Classification: Uncertain significance. Last evaluated: 2025-11-04. Review status: criteria provided, single submitter. Criteria: Invitae Variant Classification Sherloc (09022015). Collection method: clinical testing. Allele origin: germline.
Comment: This sequence change replaces threonine, which is neutral and polar, with isoleucine, which is neutral and non-polar, at codon 179 of the TNFAIP3 protein (p.Thr179Ile). This variant is not present in population databases (gnomAD no frequency). This variant has not been reported in the literature in individuals affected with TNFAIP3-related conditions. Invitae Evidence Modeling of protein sequence and biophysical properties (such as structural, functional, and spatial information, amino acid conservation, physicochemical variation, residue mobility, and thermodynamic stability) indicates that this missense variant is not expected to disrupt TNFAIP3 protein function with a negative predictive value of 80%. In summary, the available evidence is currently insufficient to determine the role of this variant in disease. Therefore, it has been classified as a Variant of Uncertain Significance.